The following is an entry in ClinVar:

NM_182493.3(MYLK3):c.1340A>G (p.Gln447Arg)

Gene: MYLK3 (myosin light chain kinase 3; minus strand). Cytogenetic location: 16q11.2.
Variant type: single nucleotide variant.
Coding change: c.1340A>G on transcript NM_182493.3 (MANE Select); coding-DNA position 1340, A replaced by G.
Protein change: p.Gln447Arg; replaces glutamine 447 with arginine.
Molecular consequence: missense variant.
Genome position (GRCh38, 1-based): chr16:46,732,330, T>C on the plus strand (A>G on the coding strand, the complement: MYLK3 is on the minus strand). VCF-style: chr16-46732330-T-C. GRCh37 (hg19) VCF-style: chr16-46766242-T-C.
Other names: c.317A>G, p.Gln106Arg (NM_001308301.1); short protein forms Q106R, Q447R.
Identifiers: ClinVar variation 2857517 (VCV002857517.3), dbSNP rs757321126, ClinGen allele CA395792150.

ClinVar aggregate classification (germline): Uncertain significance (1 of 4 stars; one submission).

Allele frequency attached by ClinVar (database versions not stated): gnomAD 0.00001.
gnomAD v4.1: 3 of 1,612,674 alleles (0.00019%); highest among the groups gnomAD compares: Non-Finnish European, 0.00025%; no homozygotes.

Submission:

Labcorp Genetics (formerly Invitae), Labcorp
Classification: Uncertain significance. Last evaluated: 2023-05-11. Review status: criteria provided, single submitter. Criteria: Invitae Variant Classification Sherloc (09022015). Collection method: clinical testing. Allele origin: germline.
Comment: Algorithms developed to predict the effect of missense changes on protein structure and function output the following: SIFT: "Not Available"; PolyPhen-2: "Possibly Damaging"; Align-GVGD: "Not Available". The arginine amino acid residue is found in multiple mammalian species, which suggests that this missense change does not adversely affect protein function. In summary, the available evidence is currently insufficient to determine the role of this variant in disease. Therefore, it has been classified as a Variant of Uncertain Significance. This variant has not been reported in the literature in individuals affected with MYLK3-related conditions. This variant is present in population databases (no rsID available, gnomAD 0.007%). This sequence change replaces glutamine, which is neutral and polar, with arginine, which is basic and polar, at codon 447 of the MYLK3 protein (p.Gln447Arg).